The following is an entry in ClinVar:

NM_001083614.2(EARS2):c.580G>A (p.Val194Met)

Gene: EARS2 (glutamyl-tRNA synthetase 2, mitochondrial; minus strand). Cytogenetic location: 16p12.2.
Variant type: single nucleotide variant.
Coding change: c.580G>A on transcript NM_001083614.2 (MANE Select); coding-DNA position 580, G replaced by A.
Protein change: p.Val194Met; replaces valine 194 with methionine.
Molecular consequence: missense variant. On other transcripts: non-coding transcript variant (1).
Genome position (GRCh38, 1-based): chr16:23,535,266, C>T on the plus strand (G>A on the coding strand, the complement: EARS2 is on the minus strand). VCF-style: chr16-23535266-C-T. GRCh37 (hg19) VCF-style: chr16-23546587-C-T.
Other names: c.580G>A, p.Val194Met (NM_001308211.1); short protein forms V194M.
Identifiers: ClinVar variation 318553 (VCV000318553.14), dbSNP rs76634881, ClinGen allele CA7962541.
Genomic context (GRCh38, chr16:23,535,266, plus strand): 5'-CCACGCTGGCCACTTCATGCCTATTCCAGCCATAGACCAGGTCCTGGAAGGCTGGCACCA[C>T]CTGCTCCAGGCGGAAGCGGATCGCAGGCTTGGGGTCCTTGGCCAGCTTCTGGGCCACCTG-3'
Protein context (NP_001077083.1, residues 184-204): KPAIRFRLEQ[Val194Met]VPAFQDLVYG

ClinVar aggregate classification (germline): Benign. Review status: criteria provided, multiple submitters, no conflicts (2 of 4 stars). 2 submissions from 2 submitters: Benign (2). Last evaluated 2025-12-03.

Conditions:
Leukoencephalopathy-thalamus and brainstem anomalies-high lactate syndrome. Also called: Combined oxidative phosphorylation deficiency 12; LEUKOENCEPHALOPATHY WITH THALAMUS AND BRAINSTEM INVOLVEMENT AND HIGH LACTATE. Identifiers: Orphanet 314051, MedGen C4706421, MONDO:0013971, OMIM 614924.

Allele frequency attached by ClinVar (database versions not stated): ESP Exome Variant Server 0.00008; gnomAD 0.00040 and 0.00057; gnomAD exomes 0.00059 and 0.00125; TOPMed 0.00071; ExAC 0.00129; 1000 Genomes Project 30x 0.00250; 1000 Genomes Project 0.00280.
gnomAD v4.1: 938 of 1,609,368 alleles (0.058%); highest among the groups gnomAD compares: East Asian, 1.9%; 11 homozygotes.

Submissions (2):

Labcorp Genetics (formerly Invitae), Labcorp
Classification: Benign. Last evaluated: 2025-12-03. Review status: criteria provided, single submitter. Criteria: Invitae Variant Classification Sherloc (09022015). Collection method: clinical testing. Allele origin: germline.

Illumina Laboratory Services, Illumina
Classification: Benign for Leukoencephalopathy-thalamus and brainstem anomalies-high lactate syndrome. Last evaluated: 2018-01-12. Review status: criteria provided, single submitter. Criteria: ICSL Variant Classification Criteria 13 December 2019. Collection method: clinical testing. Allele origin: germline.
Comment: This variant was observed in the ICSL laboratory as part of a predisposition screen in an ostensibly healthy population. It had not been previously curated by ICSL or reported in the Human Gene Mutation Database (HGMD: prior to June 1st, 2018), and was therefore a candidate for classification through an automated scoring system. Utilizing variant allele frequency, disease prevalence and penetrance estimates, and inheritance mode, an automated score was calculated to assess if this variant is too frequent to cause the disease. Based on the score and internal cut-off values, a variant classified as benign is not then subjected to further curation. The score for this variant resulted in a classification of benign for this disease.